The following is an entry in ClinVar:

ClinVar aggregate classification (germline): Uncertain significance (1 of 4 stars; one submission).

Allele frequency attached by ClinVar (database versions not stated): ExAC 0.00001; gnomAD exomes below 0.00001.
gnomAD v4.1: 4 of 1,613,966 alleles (0.00025%); highest among the groups gnomAD compares: Admixed American, 0.0017%; no homozygotes.

Submission:

Labcorp Genetics (formerly Invitae), Labcorp
Classification: Uncertain significance. Last evaluated: 2022-08-08. Review status: criteria provided, single submitter. Criteria: Invitae Variant Classification Sherloc (09022015). Collection method: clinical testing. Allele origin: germline.
Comment: In summary, the available evidence is currently insufficient to determine the role of this variant in disease. Therefore, it has been classified as a Variant of Uncertain Significance. Algorithms developed to predict the effect of missense changes on protein structure and function are either unavailable or do not agree on the potential impact of this missense change (SIFT: "Deleterious"; PolyPhen-2: "Probably Damaging"; Align-GVGD: "Class C0"). This variant has not been reported in the literature in individuals affected with HMCN1-related conditions. This variant is present in population databases (rs754501803, gnomAD 0.003%). This sequence change replaces glycine, which is neutral and non-polar, with glutamic acid, which is acidic and polar, at codon 4477 of the HMCN1 protein (p.Gly4477Glu).

NM_031935.3(HMCN1):c.13430G>A (p.Gly4477Glu)

Gene: HMCN1 (hemicentin 1; plus strand). Cytogenetic location: 1q31.1.
Variant type: single nucleotide variant.
Coding change: c.13430G>A on transcript NM_031935.3 (MANE Select); coding-DNA position 13430, G replaced by A.
Protein change: p.Gly4477Glu; replaces glycine 4477 with glutamic acid.
Molecular consequence: missense variant.
Genome position (GRCh38, 1-based): chr1:186,136,785, G>A. VCF-style: chr1-186136785-G-A. GRCh37 (hg19) VCF-style: chr1-186105917-G-A.
Other names: short protein forms G4477E.
Identifiers: ClinVar variation 2069374 (VCV002069374.4), dbSNP rs754501803, ClinGen allele CA1294658.
Genomic context (GRCh38, chr1:186,136,785, plus strand): 5'-TCATATTGAATTGTCAGGCAACTGGAGAGCCTCAACCAACCATTACATGGTCCCGTCAAG[G>A]GCACTCTATTTCCTGGGATGACCGGGTTAACGTGTTGTCCAACAACTCATTATATATTGC-3'
Protein context (NP_114141.2, residues 4467-4487): PQPTITWSRQ[Gly4477Glu]HSISWDDRVN